The following is an entry in ClinVar:

ClinVar aggregate classification (germline): Likely benign (1 of 4 stars; one submission).

Allele frequency attached by ClinVar (database versions not stated): gnomAD 0.00001; gnomAD exomes 0.00001; ExAC 0.00002.
gnomAD v4.1: 11 of 1,353,200 alleles (0.00081%); highest among the groups gnomAD compares: Middle Eastern, 0.054%; no homozygotes.

Submission:

CeGaT Center for Human Genetics Tuebingen
Classification: Likely benign. Last evaluated: 2022-07-01. Review status: criteria provided, single submitter. Criteria: CeGaT Center For Human Genetics Tuebingen Variant Classification Criteria Version 2. Collection method: clinical testing. Allele origin: germline. Affected: yes. Observed: 1 variant allele.
Comment: HACL1: BP4, BP7

NM_012260.4(HACL1):c.1512T>C (p.Thr504=)

Gene: HACL1 (2-hydroxyacyl-CoA lyase 1; minus strand). Cytogenetic location: 3p25.1.
Variant type: single nucleotide variant.
Coding change: c.1512T>C on transcript NM_012260.4 (MANE Select); coding-DNA position 1512, T replaced by C.
Protein change: p.Thr504=; no amino-acid change (threonine 504 retained).
Molecular consequence: synonymous variant. On other transcripts: non-coding transcript variant (1).
Genome position (GRCh38, 1-based): chr3:15,564,556, A>G on the plus strand (T>C on the coding strand, the complement: HACL1 is on the minus strand). VCF-style: chr3-15564556-A-G. GRCh37 (hg19) VCF-style: chr3-15606063-A-G.
Other names: c.1431T>C, p.Thr477= (NM_001284413.2); c.1332T>C, p.Thr444= (NM_001284415.2); c.1266T>C, p.Thr422= (NM_001284416.2).
Identifiers: ClinVar variation 2653599 (VCV002653599.24), dbSNP rs751295536, ClinGen allele CA2276497.